The following is an entry in ClinVar:

ClinVar aggregate classification (germline): Uncertain significance (1 of 4 stars; one submission).

Submission:

GeneDx
Classification: Uncertain significance. Last evaluated: 2017-09-29. Review status: criteria provided, single submitter. Criteria: GeneDx Variant Classification (06012015). Collection method: clinical testing. Allele origin: germline. Affected: yes.
Comment: The T1919A variant in the KMT2D gene has not been reported previously as a pathogenic variant, nor as a benign variant, to our knowledge. The T1919A variant is not observed in large population cohorts (Lek et al., 2016). The T1919A variant is a non-conservative amino acid substitution, which is likely to impact secondary protein structure as these residues differ in polarity, charge, size and/or other properties. This substitution occurs at a position that is conserved in mammals. In silico analysis predicts this variant likely does not alter the protein structure/function. We interpret T1919A as a variant of uncertain significance.

NM_003482.4(KMT2D):c.5755A>G (p.Thr1919Ala)

Gene: KMT2D (lysine methyltransferase 2D; minus strand). Cytogenetic location: 12q13.12.
Variant type: single nucleotide variant.
Coding change: c.5755A>G on transcript NM_003482.4 (MANE Select); coding-DNA position 5755, A replaced by G.
Protein change: p.Thr1919Ala; replaces threonine 1919 with alanine.
Molecular consequence: missense variant.
Genome position (GRCh38, 1-based): chr12:49,042,768, T>C on the plus strand (A>G on the coding strand, the complement: KMT2D is on the minus strand). VCF-style: chr12-49042768-T-C. GRCh37 (hg19) VCF-style: chr12-49436551-T-C.
Other names: short protein forms T1919A.
Identifiers: ClinVar variation 452051 (VCV000452051.2), dbSNP rs1555193607, ClinGen allele CA384628858.
Genomic context (GRCh38, chr12:49,042,768, plus strand): 5'-TGTCAGTCTTCAGACCACTCCCACCTGTATTACCTTGAAGAAAGGGCCTCTGCAGTGGCG[T>C]ACGGCTGCCTTCTAGGCCAGGGGTTCCACAACCCAGATGCTGTTCTCGTTCAGAGCCCAG-3'
Protein context (NP_003473.3, residues 1909-1929): CGTPGLEGSR[Thr1919Ala]PLQRPFLQGG